The following is an entry in ClinVar:

ClinVar aggregate classification (germline): Uncertain significance. Review status: criteria provided, multiple submitters, no conflicts (2 of 4 stars). 2 submissions from 2 submitters: Uncertain significance (2). Last evaluated 2024-10-30.

Conditions:
Juvenile myelomonocytic leukemia (JMML). Also called: LEUKEMIA, JUVENILE MYELOMONOCYTIC, SOMATIC. Identifiers: Orphanet 86834, MedGen C0349639, MONDO:0011908, OMIM 607785, HP:0012209.
Metachondromatosis (METCDS). Identifiers: Orphanet 2499, MedGen C0410530, MONDO:0007979, OMIM 156250.
Noonan syndrome 1 (NS1). Also called: PTPN11-Related Noonan Syndrome; FEMALE PSEUDO-TURNER SYNDROME; TURNER PHENOTYPE WITH NORMAL KARYOTYPE. Identifiers: Orphanet 648, MedGen C4551602, MONDO:0008104, OMIM 163950. Disease mechanism: gain of function.
LEOPARD syndrome 1 (LPRD1). Also called: LENTIGINOSIS, CARDIOMYOPATHIC; MULTIPLE LENTIGINES SYNDROME; PTPN11-Related LEOPARD Syndrome. Identifiers: Orphanet 500, MedGen C4551484, MONDO:0100082, OMIM 151100.

Submissions (2):

GeneDx
Classification: Uncertain significance. Last evaluated: 2024-10-30. Review status: criteria provided, single submitter. Criteria: GeneDx Variant Classification Process June 2021. Collection method: clinical testing. Allele origin: germline. Affected: yes.
Comment: Not observed at significant frequency in large population cohorts (gnomAD); Missense variants in this gene are a common cause of disease and they are underrepresented in the general population; In silico analysis supports that this missense variant has a deleterious effect on protein structure/function; Has not been previously published as pathogenic or benign to our knowledge; This variant is associated with the following publications: (PMID: 29493581)

Fulgent Genetics
Classification: Uncertain significance for LEOPARD syndrome 1; Metachondromatosis; Noonan syndrome 1; Juvenile myelomonocytic leukemia. Last evaluated: 2024-01-22. Review status: criteria provided, single submitter. Criteria: ACMG Guidelines, 2015. Collection method: clinical testing. Allele origin: germline.

NM_002834.5(PTPN11):c.503C>T (p.Thr168Ile)

Gene: PTPN11 (protein tyrosine phosphatase non-receptor type 11; plus strand). Cytogenetic location: 12q24.13.
Variant type: single nucleotide variant.
Coding change: c.503C>T on transcript NM_002834.5 (MANE Select); coding-DNA position 503, C replaced by T.
Protein change: p.Thr168Ile; replaces threonine 168 with isoleucine.
Molecular consequence: missense variant.
Genome position (GRCh38, 1-based): chr12:112,453,365, C>T. VCF-style: chr12-112453365-C-T. GRCh37 (hg19) VCF-style: chr12-112891169-C-T.
Other names: c.503C>T, p.Thr168Ile (NM_001330437.2, NM_080601.3); c.500C>T, p.Thr167Ile (NM_001374625.1); short protein forms T168I, T167I.
Identifiers: ClinVar variation 3574259 (VCV003574259.2).